The following is an entry in ClinVar:

ClinVar aggregate classification (germline): Likely benign (1 of 4 stars; one submission).

Allele frequency attached by ClinVar (database versions not stated): gnomAD exomes below 0.00001.
gnomAD v4.1: 1 of 1,155,122 alleles (0.000087%); highest among the groups gnomAD compares: Non-Finnish European, 0.00012%; no homozygotes.

Submission:

GeneDx
Classification: Likely benign. Last evaluated: 2016-03-09. Review status: criteria provided, single submitter. Criteria: GeneDx Variant Classification (06012015). Collection method: clinical testing. Allele origin: germline. Affected: yes.
Comment: This variant is considered likely benign or benign based on one or more of the following criteria: it is a conservative change, it occurs at a poorly conserved position in the protein, it is predicted to be benign by multiple in silico algorithms, and/or has population frequency not consistent with disease.

NM_000252.3(MTM1):c.528+6A>G

Gene: MTM1 (myotubularin 1; plus strand). Cytogenetic location: Xq28.
Variant type: single nucleotide variant.
Coding change: c.528+6A>G on transcript NM_000252.3 (MANE Select); 6 bases into the intron after coding-DNA position 528, A replaced by G.
Molecular consequence: intron variant.
Genome position (GRCh38, 1-based): chrX:150,639,032, A>G. VCF-style: chrX-150639032-A-G. GRCh37 (hg19) VCF-style: chrX-149807505-A-G.
Other names: c.528+6A>G (NM_001376908.1, NM_001376906.1); c.417+6A>G (NM_001376907.1).
Identifiers: ClinVar variation 384353 (VCV000384353.1), dbSNP rs1057521934, ClinGen allele CA16608719.
Genomic context (GRCh38, chrX:150,639,032, plus strand): 5'-GTTTAACGTGGATGGATGGACAGTTTACAATCCAGTGGAAGAATACAGGAGGCAGGTAAG[A>G]TGTTAGATGCTATTGTCTGGTATGTGATGAACCTGAAACATGCATTATGACAGTATGTCA-3'